The following is an entry in ClinVar:

ClinVar aggregate classification (germline): Uncertain significance (1 of 4 stars; one submission).

Conditions:
Glycogen storage disease, type II (IOPD). Also called: Pompe Disease; CARDIOMEGALIA GLYCOGENICA DIFFUSA; GLYCOGENOSIS, GENERALIZED, CARDIAC FORM; GSD II; POMPE DISEASE, INFANTILE-ONSET; GLYCOGEN STORAGE DISEASE II, INFANTILE-ONSET. Identifiers: Orphanet 365, MedGen C0017921, MONDO:0009290, OMIM 232300.

Submission:

Genomenon, Inc
Classification: Uncertain significance for Glycogen storage disease, type II. Last evaluated: 2026-07-01. Review status: criteria provided, single submitter. Criteria: Genomenon Sequence Variant Interpretation Standards - Updated. Collection method: curation. Allele origin: germline. Affected: yes.
Comment: GAA p.Gly576Cys (c.1726G>T) is a missense variant that changes the amino acid at codon 576 from Glycine to Cysteine. This variant has been observed in at least one proband with a GAA-related disorder (PMID:40225932). The presence of pathogenic/likely pathogenic missense variant(s) at the same amino acid position indicates that this residue is likely important for protein function. It is absent or not present at a significant frequency in gnomAD. In silico models predict that this variant is possibly or probably damaging. In conclusion, we classify GAA p.Gly576Cys (c.1726G>T) as a variant of uncertain significance.

Literature cited by the submitters: PubMed 40225932.

NM_000152.5(GAA):c.1726G>T (p.Gly576Cys)

Gene: GAA (alpha glucosidase; plus strand). Cytogenetic location: 17q25.3.
Variant type: single nucleotide variant.
Coding change: c.1726G>T on transcript NM_000152.5 (MANE Select); coding-DNA position 1726, G replaced by T.
Protein change: p.Gly576Cys; replaces glycine 576 with cysteine.
Molecular consequence: missense variant.
Genome position (GRCh38, 1-based): chr17:80,112,072, G>T. VCF-style: chr17-80112072-G-T. GRCh37 (hg19) VCF-style: chr17-78085871-G-T.
Other names: c.1726G>T, p.Gly576Cys (NM_001079803.3, NM_001079804.3, NM_001406741.1 and 1 more transcripts); short protein forms G576C.
Identifiers: ClinVar variation 4876519 (VCV004876519.1).